The following is an entry in ClinVar:

ClinVar aggregate classification (germline): Likely benign. Review status: criteria provided, multiple submitters, no conflicts (2 of 4 stars). 2 submissions from 2 submitters: Likely benign (2). Last evaluated 2024-10-01.

Conditions:
Inborn genetic diseases. Identifiers: MedGen C0950123, MeSH D030342.

Allele frequency attached by ClinVar (database versions not stated): gnomAD 0.00004 and 0.00006; gnomAD exomes 0.00005 and 0.00008; ExAC 0.00007; TOPMed 0.00007; ESP Exome Variant Server 0.00017.

Submissions (2):

Ambry Genetics
Classification: Likely benign for Inborn genetic diseases. Last evaluated: 2024-10-01. Review status: criteria provided, single submitter. Criteria: Ambry Variant Classification Scheme 2023. Collection method: clinical testing. Allele origin: germline.

GeneDx
Classification: Likely benign. Last evaluated: 2022-06-30. Review status: criteria provided, single submitter. Criteria: GeneDx Variant Classification Process June 2021. Collection method: clinical testing. Allele origin: germline. Affected: yes.
Comment: See Variant Classification Assertion Criteria.

NM_030632.3(ASXL3):c.2506C>A (p.Gln836Lys)

Gene: ASXL3 (ASXL transcriptional regulator 3; plus strand). Cytogenetic location: 18q12.1.
Variant type: single nucleotide variant.
Coding change: c.2506C>A on transcript NM_030632.3 (MANE Select); coding-DNA position 2506, C replaced by A.
Protein change: p.Gln836Lys; replaces glutamine 836 with lysine.
Molecular consequence: missense variant.
Genome position (GRCh38, 1-based): chr18:33,739,910, C>A. VCF-style: chr18-33739910-C-A. GRCh37 (hg19) VCF-style: chr18-31319874-C-A.
Other names: short protein forms Q836K.
Identifiers: ClinVar variation 1300532 (VCV001300532.4), dbSNP rs372049676, ClinGen allele CA8933930.